The following is an entry in ClinVar:

NM_001037131.3(AGAP1):c.941G>A (p.Arg314Gln)

Gene: AGAP1 (ArfGAP with GTPase domain, ankyrin repeat and PH domain 1; plus strand). Cytogenetic location: 2q37.2.
Variant type: single nucleotide variant.
Coding change: c.941G>A on transcript NM_001037131.3 (MANE Select); coding-DNA position 941, G replaced by A.
Protein change: p.Arg314Gln; replaces arginine 314 with glutamine.
Molecular consequence: missense variant.
Genome position (GRCh38, 1-based): chr2:235,799,506, G>A. VCF-style: chr2-235799506-G-A. GRCh37 (hg19) VCF-style: chr2-236708150-G-A.
Other names: c.941G>A, p.Arg314Gln (NM_001244888.2, NM_001412122.1, NM_014914.5); short protein forms R314Q.
Identifiers: ClinVar variation 2088761 (VCV002088761.4), dbSNP rs754181254, ClinGen allele CA2184620.

ClinVar aggregate classification (germline): Uncertain significance (1 of 4 stars; one submission).

Allele frequency attached by ClinVar (database versions not stated): TOPMed below 0.00001; ExAC 0.00001; gnomAD 0.00001; gnomAD exomes 0.00001.
gnomAD v4.1: 13 of 1,613,954 alleles (0.00081%); highest among the groups gnomAD compares: East Asian, 0.0045%; no homozygotes.

Submission:

Labcorp Genetics (formerly Invitae), Labcorp
Classification: Uncertain significance. Last evaluated: 2022-09-23. Review status: criteria provided, single submitter. Criteria: Invitae Variant Classification Sherloc (09022015). Collection method: clinical testing. Allele origin: germline.
Comment: Algorithms developed to predict the effect of missense changes on protein structure and function are either unavailable or do not agree on the potential impact of this missense change (SIFT: "Deleterious"; PolyPhen-2: "Probably Damaging"; Align-GVGD: "Class C0"). In summary, the available evidence is currently insufficient to determine the role of this variant in disease. Therefore, it has been classified as a Variant of Uncertain Significance. This sequence change replaces arginine, which is basic and polar, with glutamine, which is neutral and polar, at codon 314 of the AGAP1 protein (p.Arg314Gln). This variant is present in population databases (rs754181254, gnomAD 0.003%). This variant has not been reported in the literature in individuals affected with AGAP1-related conditions.